The following is an entry in ClinVar:

ClinVar aggregate classification (germline): Uncertain significance. Review status: criteria provided, multiple submitters, no conflicts (2 of 4 stars). 2 submissions from 2 submitters: Uncertain significance (2). Last evaluated 2025-09-17.

Conditions:
Hereditary cancer-predisposing syndrome. Also called: Neoplastic Syndromes, Hereditary; Tumor predisposition; Hereditary neoplastic syndrome; Hereditary Cancer Syndrome. Identifiers: Orphanet 140162, MedGen C0027672, MeSH D009386, MONDO:0015356.

Submissions (2):

Ambry Genetics
Classification: Uncertain significance for Hereditary cancer-predisposing syndrome. Last evaluated: 2025-09-17. Review status: criteria provided, single submitter. Criteria: Ambry Variant Classification Scheme 2023. Collection method: clinical testing. Allele origin: germline.
Comment: The p.D587E variant (also known as c.1761C>A), located in coding exon 5 of the MET gene, results from a C to A substitution at nucleotide position 1761. The aspartic acid at codon 587 is replaced by glutamic acid, an amino acid with highly similar properties. This amino acid position is conserved. In addition, this alteration is predicted to be deleterious by in silico analysis. Based on the available evidence, the clinical significance of this variant remains unclear.

Blueprint Genetics
Classification: Uncertain significance. Last evaluated: 2022-11-28. Review status: criteria provided, single submitter. Criteria: ACMG Guidelines, 2015. Collection method: clinical testing. Allele origin: germline.

NM_000245.4(MET):c.1761C>A (p.Asp587Glu)

Gene: MET (MET proto-oncogene, receptor tyrosine kinase; plus strand). Cytogenetic location: 7q31.2.
Variant type: single nucleotide variant.
Coding change: c.1761C>A on transcript NM_000245.4 (MANE Select); coding-DNA position 1761, C replaced by A.
Protein change: p.Asp587Glu; replaces aspartic acid 587 with glutamic acid.
Molecular consequence: missense variant.
Genome position (GRCh38, 1-based): chr7:116,755,414, C>A. VCF-style: chr7-116755414-C-A. GRCh37 (hg19) VCF-style: chr7-116395468-C-A.
Other names: c.1761C>A, p.Asp587Glu (NM_001127500.3, NM_001324401.3); c.471C>A, p.Asp157Glu (NM_001324402.2); short protein forms D157E, D587E.
Identifiers: ClinVar variation 4647493 (VCV004647493.2).